The following is an entry in ClinVar:

ClinVar aggregate classification (germline): Pathogenic (1 of 4 stars; one submission).

Conditions:
Fanconi anemia (FA). Also called: Fanconi's anemia. Identifiers: Orphanet 84, MedGen C0015625, MeSH D005199, MONDO:0019391.

Submission:

Labcorp Genetics (formerly Invitae), Labcorp
Classification: Pathogenic for Fanconi anemia. Last evaluated: 2024-10-07. Review status: criteria provided, single submitter. Criteria: Invitae Variant Classification Sherloc (09022015). Collection method: clinical testing. Allele origin: germline.
Comment: This sequence change creates a premature translational stop signal (p.Gly79Aspfs*2) in the FANCF gene. While this is not anticipated to result in nonsense mediated decay, it is expected to disrupt the last 296 amino acid(s) of the FANCF protein. This variant is not present in population databases (gnomAD no frequency). This variant has not been reported in the literature in individuals affected with FANCF-related conditions. ClinVar contains an entry for this variant (Variation ID: 2067569). This variant disrupts a region of the FANCF protein in which other variant(s) (p.Leu162Aspfs*103) have been determined to be pathogenic (PMID: 10615118, 26033879, 27714961, 28102861; internal data). This suggests that this is a clinically significant region of the protein, and that variants that disrupt it are likely to be disease-causing. For these reasons, this variant has been classified as Pathogenic.

Literature cited by the submitters: PubMed 10615118; PubMed 26033879; PubMed 27714961; PubMed 28102861.

NM_022725.4(FANCF):c.236del (p.Gly79fs)

Gene: FANCF (FA complementation group F; minus strand). Cytogenetic location: 11p14.3.
Variant type: Deletion.
Coding change: c.236del on transcript NM_022725.4 (MANE Select); coding-DNA position 236, one base deleted (G; older notation c.236delG).
Protein change: p.Gly79fs; shifts the reading frame from glycine 79.
Molecular consequence: frameshift variant.
Genome position (GRCh38, 1-based): chr11:22,625,575, C deleted on the plus strand (G on the coding strand, the reverse complement: FANCF is on the minus strand); the first of 3 consecutive C bases (chr11:22,625,575-22,625,577); deleting any one gives the same sequence. VCF-style (leftmost placement, unchanged base first): chr11-22625574-TC-T. GRCh37 (hg19) VCF-style: chr11-22647120-TC-T.
Other names: short protein forms G79fs.
Identifiers: ClinVar variation 2067569 (VCV002067569.4), dbSNP rs2494869728, ClinGen allele CA2580082873.
Genomic context (GRCh38, chr11:22,625,574, plus strand): 5'-CTCCAGCAGGCGCAGAGAGAGCAGGACGTCACAGTGACCGAGGGCCTGGAAGTTCGCTAA[TC>T]CCGGAACTGGACCCCGCCCAAAGCCGCCCTCTTGCCTCCACTGGTTGTGCAGCCGCCGCT-3'